The following is an entry in ClinVar:

NM_022124.6(CDH23):c.6998_7007del (p.Tyr2333fs)

Gene: CDH23 (cadherin related 23; plus strand). Cytogenetic location: 10q22.1.
Variant type: Deletion.
Coding change: c.6998_7007del on transcript NM_022124.6 (MANE Select); coding-DNA positions 6998 to 7007, 10 bases deleted (ACACCCTGCT; older notation c.6998_7007delACACCCTGCT).
Protein change: p.Tyr2333fs; shifts the reading frame from tyrosine 2333.
Molecular consequence: frameshift variant.
Genome position (GRCh38, 1-based): chr10:71,798,522-71,798,531, ACACCCTGCT deleted; deleting any 10 consecutive bases within chr10:71,798,520-71,798,531 gives the same sequence; the c. name uses the placement nearest the transcript's 3' end. VCF-style (leftmost placement, unchanged base first): chr10-71798519-CCTACACCCTG-C. GRCh37 (hg19) VCF-style: chr10-73558276-CCTACACCCTG-C.
Other names: c.278_287del, p.Tyr93fs (NM_001171933.1, NM_001171934.1); short protein forms Y2333fs, Y93fs.
Identifiers: ClinVar variation 4816093 (VCV004816093.1).

ClinVar aggregate classification (germline): Likely pathogenic (1 of 4 stars; one submission).

Conditions:
Usher syndrome type 1 (USH1). Also called: RETINITIS PIGMENTOSA AND CONGENITAL DEAFNESS. Identifiers: Orphanet 231169, Orphanet 886, MedGen C1568247, MONDO:0010168, OMIM 276900.

Submission:

Natera, Inc.
Classification: Likely pathogenic for Usher syndrome type 1. Last evaluated: 2025-11-14. Review status: criteria provided, single submitter. Criteria: Natera Variant Classification Schema (03/2026). Collection method: clinical testing. Allele origin: germline.
Comment: The c.6998_7007del variant in CDH23 is a frameshift variant predicted to shift the reading frame beginning at codon 2333 and leads to a stop codon 37 codons downstream. This variant is expected to result in nonsense mediated decay, truncation, or a dysfunctional protein product. This variant is rare in the general population with a frequency below the threshold expected for the associated phenotype(s). Given the available evidence, this variant is classified as Likely Pathogenic.